The following is an entry in ClinVar:

ClinVar aggregate classification (germline): Conflicting classifications of pathogenicity. Review status: criteria provided, conflicting classifications (1 of 4 stars). 7 submissions from 7 submitters: Uncertain significance (4); Likely benign (1). 2 of the submissions do not count toward it. Last evaluated 2026-01-01.

Conditions:
PKD1-related disorder. Also called: PKD1-related condition.
Polycystic kidney disease, adult type (PKD1). Also called: Polycystic Kidney Disease 1, Autosomal Dominant; Polycystic kidney disease 1; Polycystic kidney disease 1, severe; POLYCYSTIC KIDNEY DISEASE 1 WITH OR WITHOUT POLYCYSTIC LIVER DISEASE; POLYCYSTIC KIDNEY DISEASE, ADULT, TYPE I; Polycystic Kidney, Autosomal Dominant. Identifiers: MedGen C3149841, MONDO:0008263, OMIM 173900.

Allele frequency attached by ClinVar (database versions not stated): TOPMed 0.00007; ESP Exome Variant Server 0.00008; gnomAD 0.00009; gnomAD exomes 0.00013; ExAC 0.00034.
gnomAD v4.1: 189 of 1,567,920 alleles (0.012%); highest among the groups gnomAD compares: Non-Finnish European, 0.013%; no homozygotes.

Submissions (7):

CeGaT Center for Human Genetics Tuebingen
Classification: Uncertain significance. Last evaluated: 2026-01-01. Review status: criteria provided, single submitter. Criteria: CeGaT Center For Human Genetics Tuebingen Variant Classification Criteria Version 2. Collection method: clinical testing. Allele origin: germline. Affected: yes. Observed: 1 variant allele.
Comment: PKD1: PM2, PM3

PreventionGenetics, part of Exact Sciences
Classification: Uncertain significance for PKD1-related condition. Last evaluated: 2025-05-22. Review status: criteria provided, single submitter. Criteria: ACMG Guidelines, 2015. Collection method: clinical testing. Allele origin: germline.
Comment: The PKD1 c.6484C>T variant is predicted to result in the amino acid substitution p.Arg2162Trp. This variant was reported in individuals with polycystic kidney disease (PKD) (Durkie et al. 2021. PubMed ID: 33168999; Table S4, Nigro et al. 2023. PubMed ID: 37372416). In Durkie et al. study, this maternally inherited variant was found in the compound heterozygous state with a de novo pathogenic frameshift PKD1 variant in a fetus with very early onset (VEO) PKD, suggesting this variant is a possible hypomorphic allele. This variant is reported in 0.077% of alleles in individuals of European (Finnish) descent in gnomAD but without homozygotes. At this time, the clinical significance of this variant is uncertain due to the absence of conclusive functional and genetic evidence.

Blueprint Genetics
Classification: Likely benign. Last evaluated: 2022-07-07. Review status: criteria provided, single submitter. Criteria: ACMG Guidelines, 2015. Collection method: clinical testing. Allele origin: germline.

Department of Pathology and Laboratory Medicine, Sinai Health System
Classification: Uncertain significance for Polycystic kidney disease, adult type. Last evaluated: 2021-12-23. Review status: criteria provided, single submitter. Criteria: ACMG Guidelines, 2015. Collection method: clinical testing. Allele origin: germline.

GeneDx
Classification: Uncertain significance. Last evaluated: 2019-06-20. Review status: criteria provided, single submitter. Criteria: GeneDx Variant Classification Process June 2021. Collection method: clinical testing. Allele origin: germline. Affected: yes.
Comment: In silico analysis, which includes protein predictors and evolutionary conservation, supports that this variant does not alter protein structure/function; Has not been previously published as pathogenic or benign to our knowledge

Diagnostic Laboratory, Department of Genetics, University Medical Center Groningen
Classification: Likely benign. Review status: no assertion criteria provided. Collection method: clinical testing. Allele origin: germline. Affected: yes. Study: VKGL Data-share Consensus. Not counted in ClinVar's aggregate classification.

Laboratory of Diagnostic Genome Analysis, Leiden University Medical Center (LUMC)
Classification: Likely benign. Review status: no assertion criteria provided. Collection method: clinical testing. Allele origin: germline. Affected: yes. Study: VKGL Data-share Consensus. Not counted in ClinVar's aggregate classification.

NM_001009944.3(PKD1):c.6484C>T (p.Arg2162Trp)

Gene: PKD1 (polycystin 1, transient receptor potential channel interacting; minus strand). Cytogenetic location: 16p13.3.
Variant type: single nucleotide variant.
Coding change: c.6484C>T on transcript NM_001009944.3 (MANE Select); coding-DNA position 6484, C replaced by T.
Protein change: p.Arg2162Trp; replaces arginine 2162 with tryptophan.
Molecular consequence: missense variant.
Genome position (GRCh38, 1-based): chr16:2,108,683, G>A on the plus strand (C>T on the coding strand, the complement: PKD1 is on the minus strand). VCF-style: chr16-2108683-G-A. GRCh37 (hg19) VCF-style: chr16-2158684-G-A.
Other names: c.6484C>T, p.Arg2162Trp (NM_000296.4); short protein forms R2162W.
Identifiers: ClinVar variation 1175049 (VCV001175049.13), dbSNP rs373256534, ClinGen allele CA7831590.